The following is an entry in ClinVar:

NM_001849.4(COL6A2):c.2375T>C (p.Leu792Pro)

Gene: COL6A2 (collagen type VI alpha 2 chain; plus strand). Cytogenetic location: 21q22.3.
Variant type: single nucleotide variant.
Coding change: c.2375T>C on transcript NM_001849.4 (MANE Select); coding-DNA position 2375, T replaced by C.
Protein change: p.Leu792Pro; replaces leucine 792 with proline.
Molecular consequence: missense variant.
Genome position (GRCh38, 1-based): chr21:46,126,190, T>C. VCF-style: chr21-46126190-T-C. GRCh37 (hg19) VCF-style: chr21-47546104-T-C.
Other names: c.2375T>C, p.Leu792Pro (NM_058174.3, NM_058175.3); short protein forms L792P.
Identifiers: ClinVar variation 565704 (VCV000565704.12), dbSNP rs1568940864, ClinGen allele CA410542880.

ClinVar aggregate classification (germline): Uncertain significance (1 of 4 stars; one submission).

Conditions:
Bethlem myopathy 1A. Also called: Bethlem myopathy 1; MYOPATHY, BENIGN CONGENITAL, WITH CONTRACTURES; Bethlem Muscular Dystrophy. Identifiers: Orphanet 610, MedGen CN029274, MONDO:0024530, OMIM 158810.

Submission:

Labcorp Genetics (formerly Invitae), Labcorp
Classification: Uncertain significance for Bethlem myopathy 1A. Last evaluated: 2025-01-20. Review status: criteria provided, single submitter. Criteria: Invitae Variant Classification Sherloc (09022015). Collection method: clinical testing. Allele origin: germline.
Comment: This sequence change replaces leucine, which is neutral and non-polar, with proline, which is neutral and non-polar, at codon 792 of the COL6A2 protein (p.Leu792Pro). This variant is not present in population databases (gnomAD no frequency). This missense change has been observed in individual(s) with clinical features of COL6A2-related conditions (internal data). In at least one individual the data is consistent with being in trans (on the opposite chromosome) from a pathogenic variant. ClinVar contains an entry for this variant (Variation ID: 565704). Invitae Evidence Modeling of protein sequence and biophysical properties (such as structural, functional, and spatial information, amino acid conservation, physicochemical variation, residue mobility, and thermodynamic stability) indicates that this missense variant is expected to disrupt COL6A2 protein function with a positive predictive value of 80%. In summary, the available evidence is currently insufficient to determine the role of this variant in disease. Therefore, it has been classified as a Variant of Uncertain Significance.